The following is an entry in ClinVar:

NM_005411.5(SFTPA1):c.135C>G (p.Asp45Glu)

Gene: SFTPA1 (surfactant protein A1; plus strand). Cytogenetic location: 10q22.3.
Variant type: single nucleotide variant.
Coding change: c.135C>G on transcript NM_005411.5 (MANE Select); coding-DNA position 135, C replaced by G.
Protein change: p.Asp45Glu; replaces aspartic acid 45 with glutamic acid.
Molecular consequence: missense variant. On other transcripts: intron variant (2).
Genome position (GRCh38, 1-based): chr10:79,611,960, C>G. VCF-style: chr10-79611960-C-G. GRCh37 (hg19) VCF-style: chr10-81371716-C-G.
Other names: c.180C>G, p.Asp60Glu (NM_001093770.3); c.135C>G, p.Asp45Glu (NM_001164644.2, NM_001164647.1); c.85+50C>G (NM_001164646.2); c.130+50C>G (NM_001164645.2); c.135C>G (NM_005411.4); short protein forms D45E, D60E.
Identifiers: ClinVar variation 229244 (VCV000229244.6), dbSNP rs200941736, ClinGen allele CA5574393.

ClinVar aggregate classification (germline): Uncertain significance. Review status: criteria provided, multiple submitters, no conflicts (2 of 4 stars). 2 submissions from 2 submitters: Uncertain significance (2). Last evaluated 2025-11-12.

Allele frequency attached by ClinVar (database versions not stated): TOPMed 0.00006.
gnomAD v4.1: 9 of 1,613,568 alleles (0.00056%); highest among the groups gnomAD compares: African/African-American, 0.012%; no homozygotes.

Submissions (2):

Ambry Genetics
Classification: Uncertain significance. Last evaluated: 2025-11-12. Review status: criteria provided, single submitter. Criteria: Ambry Variant Classification Scheme 2023. Collection method: clinical testing. Allele origin: germline.

Laboratory for Molecular Medicine, Mass General Brigham Personalized Medicine
Classification: Uncertain significance. Last evaluated: 2016-01-29. Review status: criteria provided, single submitter. Criteria: LMM Criteria. Collection method: clinical testing. Allele origin: germline. Observed: 1 variant allele.
Comment: This is a homologous region and while the NGS call looks real we do not have a S anger primer pair where both primers are unique. The origin of this variant can not be unambiguously assigned and therefore it is excluded from patient reports. LMM is in the process of exuding repetitive regions where Sanger confirmation is not possible from tests (pending).